The following is an entry in ClinVar:

NM_002907.4(RECQL):c.329T>A (p.Phe110Tyr)

Gene: RECQL (RecQ like helicase; minus strand). Cytogenetic location: 12p12.1.
Variant type: single nucleotide variant.
Coding change: c.329T>A on transcript NM_002907.4 (MANE Select); coding-DNA position 329, T replaced by A.
Protein change: p.Phe110Tyr; replaces phenylalanine 110 with tyrosine.
Molecular consequence: missense variant.
Genome position (GRCh38, 1-based): chr12:21,490,264, A>T on the plus strand (T>A on the coding strand, the complement: RECQL is on the minus strand). VCF-style: chr12-21490264-A-T. GRCh37 (hg19) VCF-style: chr12-21643198-A-T.
Other names: c.329T>A, p.Phe110Tyr (NM_032941.3); short protein forms F110Y.
Identifiers: ClinVar variation 4824325 (VCV004824325.1).

ClinVar aggregate classification (germline): Uncertain significance (1 of 4 stars; one submission).

Submission:

Ambry Genetics
Classification: Uncertain significance. Last evaluated: 2026-01-20. Review status: criteria provided, single submitter. Criteria: Ambry Variant Classification Scheme 2023. Collection method: clinical testing. Allele origin: germline.
Comment: The p.F110Y variant (also known as c.329T>A), located in coding exon 3 of the RECQL gene, results from a T to A substitution at nucleotide position 329. The phenylalanine at codon 110 is replaced by tyrosine, an amino acid with highly similar properties. This amino acid position is conserved. In addition, the in silico prediction for this alteration is inconclusive. Based on the available evidence, the clinical significance of this variant remains unclear.